The following is an entry in ClinVar:

NM_000143.4(FH):c.1237-50TC[27]

Gene: FH (fumarate hydratase; minus strand). Cytogenetic location: 1q43.
Variant type: Microsatellite.
Coding change: c.1237-50TC[27] on transcript NM_000143.4 (MANE Select); 27 copies in a row of the 2-base unit TC starting at c.1237-50; the reference has 19 copies in a row; eight copies, 16 bases duplicated.
Molecular consequence: intron variant.
Genome position (GRCh38, 1-based): chr1:241,500,603-241,500,618, GAGAGAGAGAGAGAGA duplicated on the plus strand (TCTCTCTCTCTCTCTC on the coding strand, the reverse complement: FH is on the minus strand); duplicating any 16 consecutive bases within chr1:241,500,603-241,500,640 gives the same sequence; the position shown is the placement nearest the transcript's 3' end. VCF-style (leftmost placement, unchanged base first): chr1-241500602-T-TGAGAGAGAGAGAGAGA. GRCh37 (hg19) VCF-style: chr1-241663902-T-TGAGAGAGAGAGAGAGA.
Other names: c.1237-28_1237-13dup (NM_000143.4); c.1237-13_1237-12insTCTCTCTCTCTCTCTC (NM_000143.3).
Identifiers: ClinVar variation 1692238 (VCV001692238.13), dbSNP rs144131869, ClinGen allele CA733679886.
Genomic context (GRCh38, chr1:241,500,602, plus strand): 5'-AAACTGAAGCATCCCCCAGCAGCCTGGCTGAGTGTAACACATTTTTAATCTTTGAGTGAG[T>TGAGAGAGAGAGAGAGA]GAGAGAGAGAGAGAGAGAGAGAGAGAGAGAGAGAGAGACATTACTAAGGCAACATGTTTT-3'

ClinVar aggregate classification (germline): Benign/Likely benign. Review status: criteria provided, multiple submitters, no conflicts (2 of 4 stars). 6 submissions from 6 submitters: Benign (1); Likely benign (4). 1 of the submissions does not count toward it. Last evaluated 2025-03-04.

Conditions:
FH-related disorder. Also called: FH-related condition; FH-related disorders.
Hereditary cancer-predisposing syndrome. Also called: Hereditary neoplastic syndrome; Neoplastic Syndromes, Hereditary; Tumor predisposition; Hereditary Cancer Syndrome. Identifiers: Orphanet 140162, MedGen C0027672, MeSH D009386, MONDO:0015356.
Hereditary leiomyomatosis and renal cell cancer. Also called: Reed syndrome; Multiple cutaneous and uterine leiomyomatosis; Cutaneous leiomyomata with uterine leiomyomata; Leiomyoma, hereditary multiple, of skin; Multiple cutaneous and uterine leiomyomata; Familial leiomyomatosis. Identifiers: Orphanet 523, MedGen C1708350, MONDO:0007888, OMIM 150800, HP:0007437. Disease mechanism: loss of function.
Fumarase deficiency (FMRD). Also called: Fumarate Hydratase Deficiency; Fumaric aciduria. Identifiers: Orphanet 24, MedGen C0342770, MONDO:0011730, OMIM 606812.

Submissions (6):

Center for Genomic Medicine, Rigshospitalet, Copenhagen University Hospital
Classification: Likely benign. Last evaluated: 2025-03-04. Review status: criteria provided, single submitter. Criteria: ACMG Guidelines, 2015. Collection method: clinical testing. Allele origin: germline.

Blueprint Genetics
Classification: Likely benign. Last evaluated: 2024-11-21. Review status: criteria provided, single submitter. Criteria: ACMG Guidelines, 2015. Collection method: clinical testing. Allele origin: germline.

Department of Pathology and Laboratory Medicine, Sinai Health System
Classification: Benign for hereditary leiomyomatosis and renal cell cancer. Last evaluated: 2021-09-08. Review status: criteria provided, single submitter. Criteria: ACMG Guidelines, 2015. Collection method: clinical testing. Allele origin: germline. Affected: yes.

Fulgent Genetics
Classification: Likely benign for Hereditary leiomyomatosis and renal cell cancer; Fumarase deficiency. Last evaluated: 2021-07-19. Review status: criteria provided, single submitter. Criteria: ACMG Guidelines, 2015. Collection method: clinical testing. Allele origin: unknown.

Sema4
Classification: Likely benign for Hereditary cancer-predisposing syndrome. Last evaluated: 2021-03-01. Review status: criteria provided, single submitter. Criteria: Sema4 Curation Guidelines. Collection method: curation. Allele origin: germline.

PreventionGenetics, part of Exact Sciences
Classification: Likely benign for FH-related condition. Last evaluated: 2021-08-04. Review status: no assertion criteria provided. Collection method: clinical testing. Allele origin: germline. Not counted in ClinVar's aggregate classification.
Comment: This variant is classified as likely benign based on ACMG/AMP sequence variant interpretation guidelines (Richards et al. 2015 PMID: 25741868, with internal and published modifications).